The following is an entry in ClinVar:

ClinVar aggregate classification (germline): Benign. Review status: criteria provided, multiple submitters, no conflicts (2 of 4 stars). 3 submissions from 3 submitters: Benign (2). 1 of the submissions does not count toward it. Last evaluated 2019-01-01.

Conditions:
KIF21A-related disorder. Also called: KIF21A-related condition.
Congenital fibrosis of extraocular muscles type 1. Also called: BLEPHAROPTOSIS WITH ABSENT EYE MOVEMENTS; FEOM1 LOCUS; CFEOM3B; OPHTHALMOPLEGIA, CONGENITAL. Identifiers: MedGen C1851102, MONDO:0021083, OMIM 135700.

Allele frequency attached by ClinVar (database versions not stated): gnomAD 0.00081 and 0.00087; gnomAD exomes 0.00022 and 0.00008; ExAC 0.00035; TOPMed 0.00093; 1000 Genomes Project 30x 0.00094; 1000 Genomes Project 0.00120; ESP Exome Variant Server 0.00069.
gnomAD v4.1: 247 of 1,608,448 alleles (0.015%); highest among the groups gnomAD compares: African/African-American, 0.31%; 1 homozygote.

Submissions (3):

Labcorp Genetics (formerly Invitae), Labcorp
Classification: Benign. Last evaluated: 2019-01-01. Review status: criteria provided, single submitter. Criteria: Invitae Variant Classification Sherloc (09022015). Collection method: clinical testing. Allele origin: germline.

Illumina Laboratory Services, Illumina
Classification: Benign for Congenital fibrosis of extraocular muscles type 1. Last evaluated: 2018-01-12. Review status: criteria provided, single submitter. Criteria: ICSL Variant Classification Criteria 13 December 2019. Collection method: clinical testing. Allele origin: germline.
Comment: This variant was observed in the ICSL laboratory as part of a predisposition screen in an ostensibly healthy population. It had not been previously curated by ICSL or reported in the Human Gene Mutation Database (HGMD: prior to June 1st, 2018), and was therefore a candidate for classification through an automated scoring system. Utilizing variant allele frequency, disease prevalence and penetrance estimates, and inheritance mode, an automated score was calculated to assess if this variant is too frequent to cause the disease. Based on the score and internal cut-off values, a variant classified as benign is not then subjected to further curation. The score for this variant resulted in a classification of benign for this disease.

PreventionGenetics, part of Exact Sciences
Classification: Likely benign for KIF21A-related condition. Last evaluated: 2019-08-13. Review status: no assertion criteria provided. Collection method: clinical testing. Allele origin: germline. Not counted in ClinVar's aggregate classification.
Comment: This variant is classified as likely benign based on ACMG/AMP sequence variant interpretation guidelines (Richards et al. 2015 PMID: 25741868, with internal and published modifications).

NM_001173464.2(KIF21A):c.4515T>G (p.Ser1505Arg)

Gene: KIF21A (kinesin family member 21A; minus strand). Cytogenetic location: 12q12.
Variant type: single nucleotide variant.
Coding change: c.4515T>G on transcript NM_001173464.2 (MANE Select); coding-DNA position 4515, T replaced by G.
Protein change: p.Ser1505Arg; replaces serine 1505 with arginine.
Molecular consequence: missense variant.
Genome position (GRCh38, 1-based): chr12:39,304,866, A>C on the plus strand (T>G on the coding strand, the complement: KIF21A is on the minus strand). VCF-style: chr12-39304866-A-C. GRCh37 (hg19) VCF-style: chr12-39698668-A-C.
Other names: c.4515T>G (NM_001173464.1); c.4404T>G, p.Ser1468Arg (NM_001173463.2); c.4356T>G, p.Ser1452Arg (NM_001173465.2); c.4476T>G, p.Ser1492Arg (NM_017641.4); short protein forms S1452R, S1468R, S1492R, S1505R.
Identifiers: ClinVar variation 720608 (VCV000720608.9), dbSNP rs62000373, ClinGen allele CA6510156.